The following is an entry in ClinVar:

NM_000548.5(TSC2):c.629C>T (p.Ala210Val)

Gene: TSC2 (TSC complex subunit 2; plus strand). Cytogenetic location: 16p13.3.
Variant type: single nucleotide variant.
Coding change: c.629C>T on transcript NM_000548.5 (MANE Select); coding-DNA position 629, C replaced by T.
Protein change: p.Ala210Val; replaces alanine 210 with valine.
Molecular consequence: missense variant.
Genome position (GRCh38, 1-based): chr16:2,056,225, C>T. VCF-style: chr16-2056225-C-T. GRCh37 (hg19) VCF-style: chr16-2106226-C-T.
Other names: p.A210V:GCG>GTG; c.629C>T, p.Ala210Val (NM_001077183.3, NM_001114382.3, NM_001363528.2 and 3 more transcripts); c.518C>T, p.Ala173Val (NM_001318827.2); c.482C>T, p.Ala161Val (NM_001318829.2); c.29C>T, p.Ala10Val (NM_001318831.2); c.662C>T, p.Ala221Val (NM_001318832.2); c.629C>T (NM_000548.4); short protein forms A210V, A161V, A173V, A221V, A10V.
Identifiers: ClinVar variation 187388 (VCV000187388.25), dbSNP rs764925296, ClinGen allele CA022710.

ClinVar aggregate classification (germline): Conflicting classifications of pathogenicity. Review status: criteria provided, conflicting classifications (1 of 4 stars). 8 submissions from 8 submitters: Uncertain significance (3); Benign (2); Likely benign (3). Last evaluated 2026-01-13.

Conditions:
TSC2-related disorder. Also called: TSC2-related condition; TSC2-Related Disorders.
Hereditary cancer-predisposing syndrome. Also called: Neoplastic Syndromes, Hereditary; Tumor predisposition; Hereditary neoplastic syndrome; Hereditary Cancer Syndrome. Identifiers: Orphanet 140162, MedGen C0027672, MeSH D009386, MONDO:0015356.
Tuberous sclerosis syndrome (TSC). Also called: Tuberous Sclerosis Complex; Tuberous sclerosis. Identifiers: Orphanet 805, MedGen C0041341, MONDO:0001734.
Tuberous sclerosis 2 (TSC2). Identifiers: Orphanet 805, MedGen C1860707, MONDO:0013199, OMIM 613254.

Allele frequency attached by ClinVar (database versions not stated): ExAC 0.00001; gnomAD 0.00001; gnomAD exomes 0.00001; TOPMed 0.00001.
gnomAD v4.1: 23 of 1,613,956 alleles (0.0014%); highest among the groups gnomAD compares: East Asian, 0.0022%; no homozygotes.

Submissions (8):

Labcorp Genetics (formerly Invitae), Labcorp
Classification: Benign for Tuberous sclerosis 2. Last evaluated: 2026-01-13. Review status: criteria provided, single submitter. Criteria: Invitae Variant Classification Sherloc (09022015). Collection method: clinical testing. Allele origin: germline.

PreventionGenetics, part of Exact Sciences
Classification: Likely benign for TSC2-related condition. Last evaluated: 2025-07-02. Review status: criteria provided, single submitter. Criteria: ACMG Guidelines, 2015. Collection method: clinical testing. Allele origin: germline.
Comment: This variant is classified as likely benign based on ACMG/AMP sequence variant interpretation guidelines (Richards et al. 2015 PMID: 25741868, with internal and published modifications).

All of Us Research Program, National Institutes of Health
Classification: Uncertain significance for Tuberous sclerosis syndrome. Last evaluated: 2024-06-09. Review status: criteria provided, single submitter. Criteria: ACMG Guidelines, 2015. Collection method: clinical testing. Allele origin: germline. Inheritance: Autosomal dominant inheritance. Observed: 8 variant alleles, 8 heterozygotes.
Comment: This missense variant replaces alanine with valine at codon 210 of the TSC2 protein. Computational prediction suggests that this variant may not impact protein structure and function (internally defined REVEL score threshold <= 0.5, PMID: 27666373). To our knowledge, functional studies have not been reported for this variant. This variant has not been reported in individuals affected with tuberous sclerosis complex in the literature. This variant has been identified in 3/249004 chromosomes in the general population by the Genome Aggregation Database (gnomAD). The available evidence is insufficient to determine the role of this variant in disease conclusively. Therefore, this variant is classified as a Variant of Uncertain Significance.

This study involves interpretation of variants in research participants for the purpose of population health screening. Participant phenotype was not available at the time of variant classification. Additional details can be found in publication PMID: 35346344, PMCID: PMC8962531

Color Diagnostics, LLC DBA Color Health
Classification: Uncertain significance for Tuberous sclerosis syndrome. Last evaluated: 2024-05-23. Review status: criteria provided, single submitter. Criteria: ACMG Guidelines, 2015. Collection method: clinical testing. Allele origin: germline.
Comment: This missense variant replaces alanine with valine at codon 210 of the TSC2 protein. Computational prediction suggests that this variant may not impact protein structure and function. To our knowledge, functional studies have not been reported for this variant. This variant has not been reported in individuals affected with tuberous sclerosis complex in the literature. This variant has been identified in 3/249004 chromosomes in the general population by the Genome Aggregation Database (gnomAD). The available evidence is insufficient to determine the role of this variant in disease conclusively. Therefore, this variant is classified as a Variant of Uncertain Significance.

Genome-Nilou Lab
Classification: Benign for Tuberous sclerosis 2. Last evaluated: 2021-11-07. Review status: criteria provided, single submitter. Criteria: ACMG Guidelines, 2015. Collection method: clinical testing. Allele origin: germline. Affected: no.

Sema4
Classification: Uncertain significance for Hereditary cancer-predisposing syndrome. Last evaluated: 2021-10-28. Review status: criteria provided, single submitter. Criteria: Sema4 Curation Guidelines. Collection method: curation. Allele origin: germline.
Comment: The TSC2 c.629C>T (p.A210V) variant has not been reported in the literature to our knowledge. It was observed in 1/10062 chromosomes of the Ashkenazi Jewish subpopulation in the large and broad cohorts of the Genome Aggregation Database (PMID: 32461654), and has been reported in ClinVar (Variation ID 187388). Functional studies have not been performed, and in silico predictions of the variant's effect on protein function are inconclusive. The evidence is insufficient to meet ACMG/AMP criteria for classifying the variant as benign or pathogenic. Thus, the clinical significance of this variant is currently uncertain.

GeneDx
Classification: Likely benign. Last evaluated: 2019-07-26. Review status: criteria provided, single submitter. Criteria: GeneDx Variant Classification Process June 2021. Collection method: clinical testing. Allele origin: germline. Affected: yes.

Ambry Genetics
Classification: Likely benign for Hereditary cancer-predisposing syndrome. Last evaluated: 2019-05-04. Review status: criteria provided, single submitter. Criteria: Ambry Variant Classification Scheme 2023. Collection method: clinical testing. Allele origin: germline.